The following is an entry in ClinVar:

ClinVar aggregate classification (germline): Uncertain significance. Review status: criteria provided, multiple submitters, no conflicts (2 of 4 stars). 3 submissions from 3 submitters: Uncertain significance (3). Last evaluated 2025-09-12.

Conditions:
DICER1-related tumor predisposition. Also called: DICER1-related pleuropulmonary blastoma cancer predisposition syndrome; DICER1 syndrome. Identifiers: Orphanet 284343, MedGen C3839822, MONDO:0100216.
Hereditary cancer-predisposing syndrome. Also called: Tumor predisposition; Hereditary neoplastic syndrome; Neoplastic Syndromes, Hereditary; Hereditary Cancer Syndrome. Identifiers: Orphanet 140162, MedGen C0027672, MeSH D009386, MONDO:0015356.

Submissions (3):

Ambry Genetics
Classification: Uncertain significance for Hereditary cancer-predisposing syndrome. Last evaluated: 2025-09-12. Review status: criteria provided, single submitter. Criteria: Ambry Variant Classification Scheme 2023. Collection method: clinical testing. Allele origin: germline.
Comment: The p.P435L variant (also known as c.1304C>T), located in coding exon 7 of the DICER1 gene, results from a C to T substitution at nucleotide position 1304. The proline at codon 435 is replaced by leucine, an amino acid with similar properties. This amino acid position is highly conserved in available vertebrate species. In addition, the in silico prediction for this alteration is inconclusive. Based on the available evidence, the clinical significance of this variant remains unclear.

Labcorp Genetics (formerly Invitae), Labcorp
Classification: Uncertain significance for DICER1-related tumor predisposition. Last evaluated: 2025-04-01. Review status: criteria provided, single submitter. Criteria: Invitae Variant Classification Sherloc (09022015). Collection method: clinical testing. Allele origin: germline.
Comment: This sequence change replaces proline, which is neutral and non-polar, with leucine, which is neutral and non-polar, at codon 435 of the DICER1 protein (p.Pro435Leu). This variant is not present in population databases (gnomAD no frequency). This variant has not been reported in the literature in individuals affected with DICER1-related conditions. ClinVar contains an entry for this variant (Variation ID: 933056). Invitae Evidence Modeling of protein sequence and biophysical properties (such as structural, functional, and spatial information, amino acid conservation, physicochemical variation, residue mobility, and thermodynamic stability) indicates that this missense variant is not expected to disrupt DICER1 protein function with a negative predictive value of 95%. In summary, the available evidence is currently insufficient to determine the role of this variant in disease. Therefore, it has been classified as a Variant of Uncertain Significance.

Foulkes Cancer Genetics LDI, Lady Davis Institute for Medical Research
Classification: Uncertain significance. Last evaluated: 2019-07-01. Review status: criteria provided, single submitter. Criteria: ACMG Guidelines, 2015. Collection method: curation. Allele origin: somatic. Affected: yes. Observed: 1 variant allele.
Comment: ACMG criteria met: PM1, PM2, BP1

Literature cited by the submitters: PubMed 24676357 (cited by Foulkes Cancer Genetics LDI, Lady Davis Institute for Medical Research).

NM_177438.3(DICER1):c.1304C>T (p.Pro435Leu)

Gene: DICER1 (dicer 1, ribonuclease III; minus strand). Cytogenetic location: 14q32.13.
Variant type: single nucleotide variant.
Coding change: c.1304C>T on transcript NM_177438.3 (MANE Select); coding-DNA position 1304, C replaced by T.
Protein change: p.Pro435Leu; replaces proline 435 with leucine.
Molecular consequence: missense variant.
Genome position (GRCh38, 1-based): chr14:95,124,268, G>A on the plus strand (C>T on the coding strand, the complement: DICER1 is on the minus strand). VCF-style: chr14-95124268-G-A. GRCh37 (hg19) VCF-style: chr14-95590605-G-A.
Other names: c.1304C>T, p.Pro435Leu (NM_001195573.1, NM_001271282.3, NM_001291628.2 and 1 more transcripts); short protein forms P435L.
Identifiers: ClinVar variation 933056 (VCV000933056.4), dbSNP rs1893190726, ClinGen allele CA390886268.